The following is an entry in ClinVar:

NM_015102.5(NPHP4):c.280-4G>A

Gene: NPHP4 (nephrocystin 4; minus strand). Cytogenetic location: 1p36.31.
Variant type: single nucleotide variant.
Coding change: c.280-4G>A on transcript NM_015102.5 (MANE Select); 4 bases into the intron before coding-DNA position 280, G replaced by A.
Molecular consequence: intron variant.
Genome position (GRCh38, 1-based): chr1:5,969,263, C>T on the plus strand (G>A on the coding strand, the complement: NPHP4 is on the minus strand). VCF-style: chr1-5969263-C-T. GRCh37 (hg19) VCF-style: chr1-6029323-C-T.
Other names: c.-1087-4G>A (NM_001291594.2); c.-950-4G>A (NM_001291593.2).
Identifiers: ClinVar variation 704372 (VCV000704372.13), dbSNP rs190495420, ClinGen allele CA554879.
Genomic context (GRCh38, chr1:5,969,263, plus strand): 5'-CACTTCCACCACAGCCACGATATGAGGGTGGTTTAGGGATGTGTGAAAATACAAGGGCTG[C>T]AGAACAGAAGCCAGAGGATGGTCTGAGTGTTCAGGACACACACAAAGAGGACATGGGCGC-3'

ClinVar aggregate classification (germline): Likely benign. Review status: criteria provided, multiple submitters, no conflicts (2 of 4 stars). 4 submissions from 4 submitters: Likely benign (4). Last evaluated 2026-09-23.

Conditions:
NPHP4-related disorder. Also called: NPHP4-related disorders; NPHP4-related condition. Identifiers: MedGen CN239384.
Nephronophthisis. Also called: Juvenile Nephronophthisis. Identifiers: Orphanet 655, MedGen C0687120, MONDO:0019005, HP:0000090.
Senior-Loken syndrome 4 (SLSN4). Identifiers: Orphanet 3156, MedGen C1846979, MONDO:0011756, OMIM 606996.
Nephronophthisis 4 (NPHP4). Also called: NEPHRONOPHTHISIS 4, JUVENILE. Identifiers: Orphanet 655, MedGen C1847013, MONDO:0011752, OMIM 606966.

Allele frequency attached by ClinVar (database versions not stated): ExAC 0.00011; gnomAD 0.00011; TOPMed 0.00019; 1000 Genomes Project 0.00020; 1000 Genomes Project 30x 0.00031; ESP Exome Variant Server 0.00040.
gnomAD v4.1: 37 of 1,540,964 alleles (0.0024%); highest among the groups gnomAD compares: African/African-American, 0.049%; no homozygotes.

Submissions (4):

PreventionGenetics, part of Exact Sciences
Classification: Likely benign for NPHP4-related condition. Last evaluated: 2026-09-23. Review status: criteria provided, single submitter. Criteria: ACMG Guidelines, 2015. Collection method: clinical testing. Allele origin: germline.
Comment: This variant is classified as likely benign based on ACMG/AMP sequence variant interpretation guidelines (Richards et al. 2015 PMID: 25741868, with internal and published modifications).

Labcorp Genetics (formerly Invitae), Labcorp
Classification: Likely benign for Nephronophthisis. Last evaluated: 2025-10-26. Review status: criteria provided, single submitter. Criteria: Invitae Variant Classification Sherloc (09022015). Collection method: clinical testing. Allele origin: germline.

Blueprint Genetics
Classification: Likely benign. Last evaluated: 2024-11-25. Review status: criteria provided, single submitter. Criteria: ACMG Guidelines, 2015. Collection method: clinical testing. Allele origin: germline.

Fulgent Genetics
Classification: Likely benign for Nephronophthisis 4; Senior-Loken syndrome 4. Last evaluated: 2022-04-14. Review status: criteria provided, single submitter. Criteria: ACMG Guidelines, 2015. Collection method: clinical testing. Allele origin: unknown.